The following is an entry in ClinVar:

ClinVar aggregate classification (germline): Uncertain significance (1 of 4 stars; one submission).

Allele frequency attached by ClinVar (database versions not stated): gnomAD 0.00001 and 0.00002; gnomAD exomes 0.00001 and 0.00005; TOPMed 0.00002; ExAC 0.00005; 1000 Genomes Project 30x 0.00016; 1000 Genomes Project 0.00020.

Submission:

Labcorp Genetics (formerly Invitae), Labcorp
Classification: Uncertain significance. Last evaluated: 2024-05-06. Review status: criteria provided, single submitter. Criteria: Invitae Variant Classification Sherloc (09022015). Collection method: clinical testing. Allele origin: germline.
Comment: This sequence change replaces lysine, which is basic and polar, with arginine, which is basic and polar, at codon 180 of the MOCS2B protein (p.Lys180Arg). This variant is present in population databases (rs200534063, gnomAD 0.07%). This variant has not been reported in the literature in individuals affected with MOCS2B-related conditions. ClinVar contains an entry for this variant (Variation ID: 1450807). An algorithm developed to predict the effect of missense changes on protein structure and function (PolyPhen-2) suggests that this variant is likely to be tolerated. In summary, the available evidence is currently insufficient to determine the role of this variant in disease. Therefore, it has been classified as a Variant of Uncertain Significance.

NM_004531.5(MOCS2):c.539A>G (p.Lys180Arg)

Gene: MOCS2 (molybdenum cofactor synthesis 2; minus strand). Cytogenetic location: 5q11.2.
Variant type: single nucleotide variant.
Coding change: c.539A>G on transcript NM_004531.5 (MANE Select); coding-DNA position 539, A replaced by G.
Protein change: p.Lys180Arg; replaces lysine 180 with arginine.
Molecular consequence: missense variant. On other transcripts: 3 prime UTR variant (1).
Genome position (GRCh38, 1-based): chr5:53,098,630, T>C on the plus strand (A>G on the coding strand, the complement: MOCS2 is on the minus strand). VCF-style: chr5-53098630-T-C. GRCh37 (hg19) VCF-style: chr5-52394460-T-C.
Other names: c.*459A>G (NM_176806.4); short protein forms K180R.
Identifiers: ClinVar variation 1450807 (VCV001450807.8), dbSNP rs200534063, ClinGen allele CA3263581.